The following is an entry in ClinVar:

NM_005359.6(SMAD4):c.815G>A (p.Arg272Lys)

Gene: SMAD4 (SMAD family member 4; plus strand). Cytogenetic location: 18q21.2.
Variant type: single nucleotide variant.
Coding change: c.815G>A on transcript NM_005359.6 (MANE Select); coding-DNA position 815, G replaced by A.
Protein change: p.Arg272Lys; replaces arginine 272 with lysine.
Molecular consequence: missense variant.
Genome position (GRCh38, 1-based): chr18:51,058,367, G>A. VCF-style: chr18-51058367-G-A. GRCh37 (hg19) VCF-style: chr18-48584737-G-A.
Other names: c.815G>A (NM_005359.5); short protein forms R272K.
Identifiers: ClinVar variation 1433531 (VCV001433531.8), dbSNP rs2144428590, ClinGen allele CA402463355.

ClinVar aggregate classification (germline): Uncertain significance. Review status: criteria provided, multiple submitters, no conflicts (2 of 4 stars). 2 submissions from 2 submitters: Uncertain significance (2). Last evaluated 2022-12-27.

Conditions:
Juvenile polyposis syndrome (JPS). Identifiers: Orphanet 2929, MedGen C0345893, MONDO:0017380, OMIM 174900.

Submissions (2):

GeneDx
Classification: Uncertain significance. Last evaluated: 2022-12-27. Review status: criteria provided, single submitter. Criteria: GeneDx Variant Classification Process June 2021. Collection method: clinical testing. Allele origin: germline. Affected: yes.
Comment: Has not been previously published as pathogenic or benign in association with a SMAD4-related disorder to our knowledge; Not observed at significant frequency in large population cohorts (gnomAD); Published functional study suggests R272 is an important methylation site (Albrecht et al., 2018); In silico analysis supports that this missense variant does not alter protein structure/function; This variant is associated with the following publications: (PMID: 15235019, 18823382, 22992590, 29773710)

Labcorp Genetics (formerly Invitae), Labcorp
Classification: Uncertain significance for Juvenile polyposis syndrome. Last evaluated: 2021-07-26. Review status: criteria provided, single submitter. Criteria: Invitae Variant Classification Sherloc (09022015). Collection method: clinical testing. Allele origin: germline.
Comment: In summary, the available evidence is currently insufficient to determine the role of this variant in disease. Therefore, it has been classified as a Variant of Uncertain Significance. Algorithms developed to predict the effect of sequence changes on RNA splicing suggest that this variant may create or strengthen a splice site. Experimental studies have shown that this variant affects SMAD4 protein function (PMID: 29773710). Advanced modeling of protein sequence and biophysical properties (such as structural, functional, and spatial information, amino acid conservation, physicochemical variation, residue mobility, and thermodynamic stability) performed at Invitae indicates that this missense variant is not expected to disrupt SMAD4 protein function. This variant has not been reported in the literature in individuals affected with SMAD4-related conditions. This variant is not present in population databases (ExAC no frequency). This sequence change replaces arginine with lysine at codon 272 of the SMAD4 protein (p.Arg272Lys). The arginine residue is highly conserved and there is a small physicochemical difference between arginine and lysine.

Literature cited by the submitters: PubMed 29773710 (cited by Labcorp Genetics (formerly Invitae), Labcorp).